The following is an entry in ClinVar:

NM_000540.3(RYR1):c.10307G>A (p.Arg3436Lys)

Gene: RYR1 (ryanodine receptor 1; plus strand). Cytogenetic location: 19q13.2.
Variant type: single nucleotide variant.
Coding change: c.10307G>A on transcript NM_000540.3 (MANE Select); coding-DNA position 10307, G replaced by A.
Protein change: p.Arg3436Lys; replaces arginine 3436 with lysine.
Molecular consequence: missense variant.
Genome position (GRCh38, 1-based): chr19:38,523,075, G>A. VCF-style: chr19-38523075-G-A. GRCh37 (hg19) VCF-style: chr19-39013715-G-A.
Other names: c.10307G>A, p.Arg3436Lys (NM_001042723.2); short protein forms R3436K.
Identifiers: ClinVar variation 451015 (VCV000451015.5), dbSNP rs574486124, ClinGen allele CA308133528.

ClinVar aggregate classification (germline): Uncertain significance. Review status: criteria provided, multiple submitters, no conflicts (2 of 4 stars). 3 submissions from 3 submitters: Uncertain significance (3). Last evaluated 2025-06-10.

Conditions:
Malignant hyperthermia, susceptibility to, 1 (MHS1). Also called: RYR1-Related Malignant Hyperthermia Susceptibility; Malignant hyperthermia suceptibility 1; Anesthesia related hyperthermia; Malignant hyperpyrexia; Fulminating hyperpyrexia; Pharmacogenic myopathy. Identifiers: Orphanet 423, MedGen C2930980, MONDO:0007783, OMIM 145600.

Allele frequency attached by ClinVar (database versions not stated): gnomAD exomes below 0.00001; gnomAD 0.00001; 1000 Genomes Project 30x 0.00016; 1000 Genomes Project 0.00020.
gnomAD v4.1: 3 of 1,612,230 alleles (0.00019%); highest among the groups gnomAD compares: East Asian, 0.0067%; no homozygotes.

Submissions (3):

Color Diagnostics, LLC DBA Color Health
Classification: Uncertain significance for Malignant hyperthermia, susceptibility to, 1. Last evaluated: 2025-06-10. Review status: criteria provided, single submitter. Criteria: ACMG Guidelines, 2015. Collection method: clinical testing. Allele origin: germline.
Comment: This missense variant replaces arginine with lysine at codon 3436 of the RYR1 protein. Computational prediction suggests that this variant may not impact protein structure and function. To our knowledge, functional studies have not been reported for this variant. This variant has not been reported in individuals affected with RYR1-related disorders in the literature. This variant has been identified in 1/248140 chromosomes in the general population by the Genome Aggregation Database (gnomAD). The available evidence is insufficient to determine the role of this variant in disease conclusively. Therefore, this variant is classified as a Variant of Uncertain Significance.

All of Us Research Program, National Institutes of Health
Classification: Uncertain significance for Malignant hyperthermia, susceptibility to, 1. Last evaluated: 2024-09-23. Review status: criteria provided, single submitter. Criteria: ACMG Guidelines, 2015. Collection method: clinical testing. Allele origin: germline. Inheritance: Autosomal dominant inheritance. Observed: 2 variant alleles, 2 heterozygotes.
Comment: This study involves interpretation of variants in research participants for the purpose of population health screening. Participant phenotype was not available at the time of variant classification. Additional details can be found in publication PMID: 35346344, PMCID: PMC8962531

GeneDx
Classification: Uncertain significance. Last evaluated: 2024-04-15. Review status: criteria provided, single submitter. Criteria: GeneDx Variant Classification Process June 2021. Collection method: clinical testing. Allele origin: germline. Affected: yes.
Comment: Has not been previously published as pathogenic or benign to our knowledge; Not observed at significant frequency in large population cohorts (gnomAD); In silico analysis supports that this missense variant does not alter protein structure/function